The following is an entry in ClinVar:

NM_033131.4(WNT3A):c.145G>C (p.Val49Leu)

Gene: WNT3A (Wnt family member 3A; plus strand). Cytogenetic location: 1q42.13.
Variant type: single nucleotide variant.
Coding change: c.145G>C on transcript NM_033131.4 (MANE Select); coding-DNA position 145, G replaced by C.
Protein change: p.Val49Leu; replaces valine 49 with leucine.
Molecular consequence: missense variant.
Genome position (GRCh38, 1-based): chr1:228,022,740, G>C. VCF-style: chr1-228022740-G-C. GRCh37 (hg19) VCF-style: chr1-228210441-G-C.
Other names: short protein forms V49L.
Identifiers: ClinVar variation 4767643 (VCV004767643.1).
Genomic context (GRCh38, chr1:228,022,740, plus strand): 5'-GGGCCACAGTATTCCTCCCTGGGCTCGCAGCCCATCCTGTGTGCCAGCATCCCGGGCCTG[G>C]TCCCCAAGCAGCTCCGCTTCTGCAGGAACTACGTGGAGATCATGCCCAGCGTGGCCGAGG-3'
Protein context (NP_149122.1, residues 39-59): PILCASIPGL[Val49Leu]PKQLRFCRNY

ClinVar aggregate classification (germline): Uncertain significance (1 of 4 stars; one submission).

Submission:

Labcorp Genetics (formerly Invitae), Labcorp
Classification: Uncertain significance. Last evaluated: 2025-07-09. Review status: criteria provided, single submitter. Criteria: Invitae Variant Classification Sherloc (09022015). Collection method: clinical testing. Allele origin: germline.
Comment: This sequence change replaces valine, which is neutral and non-polar, with leucine, which is neutral and non-polar, at codon 49 of the WNT3A protein (p.Val49Leu). This variant is not present in population databases (gnomAD no frequency). This variant has not been reported in the literature in individuals affected with WNT3A-related conditions. Invitae Evidence Modeling of protein sequence and biophysical properties (such as structural, functional, and spatial information, amino acid conservation, physicochemical variation, residue mobility, and thermodynamic stability) indicates that this missense variant is not expected to disrupt WNT3A protein function with a negative predictive value of 80%. In summary, the available evidence is currently insufficient to determine the role of this variant in disease. Therefore, it has been classified as a Variant of Uncertain Significance.